The following is an entry in ClinVar:

ClinVar aggregate classification (germline): Uncertain significance (1 of 4 stars; one submission).

Allele frequency attached by ClinVar (database versions not stated): TOPMed below 0.00001.

Submission:

GeneDx
Classification: Uncertain significance. Last evaluated: 2023-04-22. Review status: criteria provided, single submitter. Criteria: GeneDx Variant Classification Process June 2021. Collection method: clinical testing. Allele origin: germline. Affected: yes.
Comment: Not observed at significant frequency in large population cohorts (gnomAD); In silico analysis supports that this missense variant has a deleterious effect on protein structure/function; Has not been previously published as pathogenic or benign to our knowledge

NM_000523.4(HOXD13):c.536C>T (p.Pro179Leu)

Gene: HOXD13 (homeobox D13; plus strand). Cytogenetic location: 2q31.1.
Variant type: single nucleotide variant.
Coding change: c.536C>T on transcript NM_000523.4 (MANE Select); coding-DNA position 536, C replaced by T.
Protein change: p.Pro179Leu; replaces proline 179 with leucine.
Molecular consequence: missense variant.
Genome position (GRCh38, 1-based): chr2:176,093,426, C>T. VCF-style: chr2-176093426-C-T. GRCh37 (hg19) VCF-style: chr2-176958154-C-T.
Other names: short protein forms P179L.
Identifiers: ClinVar variation 2663675 (VCV002663675.1), dbSNP rs1689359681, ClinGen allele CA349352951.